The following is an entry in ClinVar:

NM_000747.3(CHRNB1):c.36_37delinsAA (p.Leu13Met)

Genes: CHRNB1 (cholinergic receptor nicotinic beta 1 subunit; plus strand), LOC130060147 (ATAC-STARR-seq lymphoblastoid silent region 8121; plus strand). Cytogenetic location: 17p13.1.
Variant type: Indel.
Coding change: c.36_37delinsAA on transcript NM_000747.3 (MANE Select); coding-DNA positions 36 to 37, GC replaced by AA.
Protein change: p.Leu13Met; replaces leucine 13 with methionine.
Molecular consequence: missense variant.
Genome position (GRCh38, 1-based): chr17:7,445,163-7,445,164, GC replaced by AA. VCF-style: chr17-7445163-GC-AA. GRCh37 (hg19) VCF-style: chr17-7348482-GC-AA.
Other names: short protein forms L13M.
Identifiers: ClinVar variation 542753 (VCV000542753.7), dbSNP rs1555551699, ClinGen allele CA658798713.
Genomic context (GRCh38, chr17:7,445,163, plus strand): 5'-AAGTCACTGAGCGAGCCGCCAGGCTATGACCCCAGGGGCTCTGCTGATGCTGCTGGGGGC[GC>AA]TGGGGGCGCCGCTCGCCCCAGGTAAGTGTAGGCCCCGAAGGGGCAGTGACGGGGCCAGCG-3'
Protein context (NP_000738.2, residues 3-23): PGALLMLLGA[Leu13Met]GAPLAPGVRG

ClinVar aggregate classification (germline): Uncertain significance (1 of 4 stars; one submission).

Conditions:
Congenital myasthenic syndrome 2A. Also called: Myasthenic syndrome, congenital, 2a, slow-channel. Identifiers: Orphanet 590, MedGen C4225374, MONDO:0014581, OMIM 616313.

Submission:

Labcorp Genetics (formerly Invitae), Labcorp
Classification: Uncertain significance for Congenital myasthenic syndrome 2A. Last evaluated: 2024-02-17. Review status: criteria provided, single submitter. Criteria: Invitae Variant Classification Sherloc (09022015). Collection method: clinical testing. Allele origin: germline.
Comment: This sequence change replaces leucine, which is neutral and non-polar, with methionine, which is neutral and non-polar, at codon 13 of the CHRNB1 protein (p.Leu13Met). Information on the frequency of this variant in the gnomAD database is not available, as this variant may be reported differently in the database. This variant has not been reported in the literature in individuals affected with CHRNB1-related conditions. ClinVar contains an entry for this variant (Variation ID: 542753). Experimental studies and prediction algorithms are not available or were not evaluated, and the functional significance of this variant is currently unknown. In summary, the available evidence is currently insufficient to determine the role of this variant in disease. Therefore, it has been classified as a Variant of Uncertain Significance.